The following is an entry in ClinVar:

ClinVar aggregate classification (germline): Benign (1 of 4 stars; one submission).

Conditions:
Peutz-Jeghers syndrome (PJS). Also called: POLYPOSIS, HAMARTOMATOUS INTESTINAL; POLYPS-AND-SPOTS SYNDROME; Peutz-Jeghers polyposis; Periorificial lentiginosis syndrome. Identifiers: Orphanet 2869, MedGen C0031269, MeSH D010580, MONDO:0008280, OMIM 175200.

Submission:

Myriad Genetics, Inc.
Classification: Benign for Peutz-Jeghers syndrome. Last evaluated: 2025-03-25. Review status: criteria provided, single submitter. Criteria: Myriad Autosomal Dominant, Autosomal Recessive and X-Linked Classification Criteria (2023). Collection method: clinical testing. Allele origin: unknown.
Comment: This variant is considered benign. This variant is a silent/synonymous amino acid change and it is not expected to impact splicing.

NM_000455.5(STK11):c.207G>C (p.Ser69=)

Gene: STK11 (serine/threonine kinase 11; plus strand). Cytogenetic location: 19p13.3.
Variant type: single nucleotide variant.
Coding change: c.207G>C on transcript NM_000455.5 (MANE Select); coding-DNA position 207, G replaced by C.
Protein change: p.Ser69=; no amino-acid change (serine 69 retained).
Molecular consequence: synonymous variant. On other transcripts: non-coding transcript variant (1).
Genome position (GRCh38, 1-based): chr19:1,207,120, G>C. VCF-style: chr19-1207120-G-C. GRCh37 (hg19) VCF-style: chr19-1207119-G-C.
Other names: c.207G>C, p.Ser69= (NM_001407255.1).
Identifiers: ClinVar variation 3904065 (VCV003904065.1).
Genomic context (GRCh38, chr19:1,207,120, plus strand): 5'-CCTGATGGGGGACCTGCTGGGGGAAGGCTCTTACGGCAAGGTGAAGGAGGTGCTGGACTC[G>C]GAGACGCTGTGCAGGAGGGCCGTCAAGATCCTCAAGAAGAAGAAGTTGCGAAGGATCCCC-3'
Protein context (NP_000446.1, residues 59-79): SYGKVKEVLD[Ser69=]ETLCRRAVKI